The following is an entry in ClinVar:

NM_001367561.1(DOCK7):c.42G>A (p.Thr14=)

Gene: DOCK7 (dedicator of cytokinesis 7; minus strand). Cytogenetic location: 1p31.3.
Variant type: single nucleotide variant.
Coding change: c.42G>A on transcript NM_001367561.1 (MANE Select); coding-DNA position 42, G replaced by A.
Protein change: p.Thr14=; no amino-acid change (threonine 14 retained).
Molecular consequence: synonymous variant.
Genome position (GRCh38, 1-based): chr1:62,663,127, C>T on the plus strand (G>A on the coding strand, the complement: DOCK7 is on the minus strand). VCF-style: chr1-62663127-C-T. GRCh37 (hg19) VCF-style: chr1-63128798-C-T.
Other names: c.42G>A, p.Thr14= (NM_001271999.2, NM_001272000.2, NM_001272001.2 and 3 more transcripts).
Identifiers: ClinVar variation 951414 (VCV000951414.10), dbSNP rs751696963, ClinGen allele CA887296.
Genomic context (GRCh38, chr1:62,663,127, plus strand): 5'-GAGCAGTTGGGGAGAACCACTATATTGTCCGGAGATCTGCTTCCTAACTTCGGCTGCCAC[C>T]GTTCTACAATGAAGAAAGCAAAAACATACGCATTATTGAAAAAAAAAAAAACTAAACTAG-3'
Protein context (NP_001354490.1, residues 4-24): RRAFAQKISR[Thr14=]VAAEVRKQIS

ClinVar aggregate classification (germline): Uncertain significance (1 of 4 stars; one submission).

Conditions:
Developmental and epileptic encephalopathy, 23 (DEE23). Also called: Epileptic encephalopathy, early infantile, 23. Identifiers: Orphanet 411986, MedGen C4014492, MONDO:0014371, OMIM 615859.

Allele frequency attached by ClinVar (database versions not stated): gnomAD 0.00001 and 0.00002; gnomAD exomes 0.00001 and 0.00002; ExAC 0.00002; TOPMed 0.00003.
gnomAD v4.1: 23 of 1,606,680 alleles (0.0014%); highest among the groups gnomAD compares: Non-Finnish European, 0.0019%; no homozygotes.

Submission:

Labcorp Genetics (formerly Invitae), Labcorp
Classification: Uncertain significance for Developmental and epileptic encephalopathy, 23. Last evaluated: 2019-07-02. Review status: criteria provided, single submitter. Criteria: Invitae Variant Classification Sherloc (09022015). Collection method: clinical testing. Allele origin: germline.
Comment: In summary, the available evidence is currently insufficient to determine the role of this variant in disease. Therefore, it has been classified as a Variant of Uncertain Significance. Algorithms developed to predict the effect of sequence changes on RNA splicing suggest that this variant may create or strengthen a splice site, but this prediction has not been confirmed by published transcriptional studies. This variant has not been reported in the literature in individuals with DOCK7-related conditions. This variant is present in population databases (rs751696963, ExAC 0.003%). This sequence change affects codon 14 of the DOCK7 mRNA. It is a 'silent' change, meaning that it does not change the encoded amino acid sequence of the DOCK7 protein.